The following is an entry in ClinVar:

ClinVar aggregate classification (germline): Uncertain significance. Review status: criteria provided, multiple submitters, no conflicts (2 of 4 stars). 4 submissions from 4 submitters: Uncertain significance (4). Last evaluated 2025-10-27.

Conditions:
Brugada syndrome. Also called: Sudden Unexplained Death Syndrome; Sudden Unexplained Nocturnal Death Syndrome (SUNDS); Sudden unexpected nocturnal death syndrome; Sudden unexplained nocturnal death syndrome. Identifiers: Orphanet 130, MedGen C1142166, MONDO:0015263.
Cardiovascular phenotype. Identifiers: MedGen CN230736.

Submissions (4):

Women's Health and Genetics/Laboratory Corporation of America, LabCorp
Classification: Uncertain significance. Last evaluated: 2025-10-27. Review status: criteria provided, single submitter. Criteria: LabCorp Variant Classification Summary - May 2015. Collection method: clinical testing. Allele origin: germline.

Labcorp Genetics (formerly Invitae), Labcorp
Classification: Uncertain significance for Brugada syndrome. Last evaluated: 2025-03-18. Review status: criteria provided, single submitter. Criteria: Invitae Variant Classification Sherloc (09022015). Collection method: clinical testing. Allele origin: germline.
Comment: This sequence change replaces leucine, which is neutral and non-polar, with methionine, which is neutral and non-polar, at codon 1722 of the SCN10A protein (p.Leu1722Met). This variant is present in population databases (no rsID available, gnomAD 0.007%). This variant has not been reported in the literature in individuals affected with SCN10A-related conditions. ClinVar contains an entry for this variant (Variation ID: 3438106). Invitae Evidence Modeling of protein sequence and biophysical properties (such as structural, functional, and spatial information, amino acid conservation, physicochemical variation, residue mobility, and thermodynamic stability) has been performed for this missense variant. However, the output from this modeling did not meet the statistical confidence thresholds required to predict the impact of this variant on SCN10A protein function. In summary, the available evidence is currently insufficient to determine the role of this variant in disease. Therefore, it has been classified as a Variant of Uncertain Significance.

Mayo Clinic Laboratories, Mayo Clinic
Classification: Uncertain significance. Last evaluated: 2025-03-18. Review status: criteria provided, single submitter. Criteria: ACMG Guidelines, 2015. Collection method: clinical testing. Allele origin: germline. Observed: 1 variant allele.
Comment: PP3

Ambry Genetics
Classification: Uncertain significance for Cardiovascular phenotype. Last evaluated: 2024-08-24. Review status: criteria provided, single submitter. Criteria: Ambry Variant Classification Scheme 2023. Collection method: clinical testing. Allele origin: germline.
Comment: The p.L1722M variant (also known as c.5164C>A), located in coding exon 27 of the SCN10A gene, results from a C to A substitution at nucleotide position 5164. The leucine at codon 1722 is replaced by methionine, an amino acid with highly similar properties. This amino acid position is conserved. In addition, this alteration is predicted to be deleterious by in silico analysis. Based on the available evidence, the clinical significance of this variant remains unclear.

NM_006514.4(SCN10A):c.5164C>A (p.Leu1722Met)

Gene: SCN10A (sodium voltage-gated channel alpha subunit 10; minus strand). Cytogenetic location: 3p22.2.
Variant type: single nucleotide variant.
Coding change: c.5164C>A on transcript NM_006514.4 (MANE Select); coding-DNA position 5164, C replaced by A.
Protein change: p.Leu1722Met; replaces leucine 1722 with methionine.
Molecular consequence: missense variant.
Genome position (GRCh38, 1-based): chr3:38,698,056, G>T on the plus strand (C>A on the coding strand, the complement: SCN10A is on the minus strand). VCF-style: chr3-38698056-G-T. GRCh37 (hg19) VCF-style: chr3-38739547-G-T.
Other names: p.Leu1722Met; c.5164C>A (NM_006514.3); c.5161C>A, p.Leu1721Met (NM_001293306.2); c.4870C>A, p.Leu1624Met (NM_001293307.2); short protein forms L1721M, L1624M, L1722M.
Identifiers: ClinVar variation 3438106 (VCV003438106.4).